The following is an entry in ClinVar:

ClinVar aggregate classification (germline): Uncertain significance (1 of 4 stars; one submission).

Submission:

Dasa
Classification: Uncertain significance. Last evaluated: 2026-04-17. Review status: criteria provided, single submitter. Criteria: DASA Assertion Criteria. Collection method: clinical testing. Allele origin: germline.
Comment: NM_031844.3(HNRNPU):c.866G>C (p.Cys289Ser) is a missense variant that results in the substitution of cysteine with serine. This variant is rare in population databases. The currently available literature and clinical evidence are not sufficient to establish a definitive association between this variant and the reported condition. Therefore, this variant is classified as a variant of uncertain significance.

NM_031844.3(HNRNPU):c.866G>C (p.Cys289Ser)

Gene: HNRNPU (heterogeneous nuclear ribonucleoprotein U; minus strand). Cytogenetic location: 1q44.
Variant type: single nucleotide variant.
Coding change: c.866G>C on transcript NM_031844.3 (MANE Select); coding-DNA position 866, G replaced by C.
Protein change: p.Cys289Ser; replaces cysteine 289 with serine.
Molecular consequence: missense variant.
Genome position (GRCh38, 1-based): chr1:244,862,472, C>G on the plus strand (G>C on the coding strand, the complement: HNRNPU is on the minus strand). VCF-style: chr1-244862472-C-G. GRCh37 (hg19) VCF-style: chr1-245025774-C-G.
Other names: c.809G>C, p.Cys270Ser (NM_004501.3); short protein forms C270S, C289S.
Identifiers: ClinVar variation 4881581 (VCV004881581.2).